The following is an entry in ClinVar:

NM_000465.4(BARD1):c.1174C>G (p.Pro392Ala)

Gene: BARD1 (BRCA1 associated RING domain 1; minus strand). Cytogenetic location: 2q35.
Variant type: single nucleotide variant.
Coding change: c.1174C>G on transcript NM_000465.4 (MANE Select); coding-DNA position 1174, C replaced by G.
Protein change: p.Pro392Ala; replaces proline 392 with alanine.
Molecular consequence: missense variant. On other transcripts: non-coding transcript variant (2), intron variant (3).
Genome position (GRCh38, 1-based): chr2:214,780,700, G>C on the plus strand (C>G on the coding strand, the complement: BARD1 is on the minus strand). VCF-style: chr2-214780700-G-C. GRCh37 (hg19) VCF-style: chr2-215645424-G-C.
Other names: c.1117C>G, p.Pro373Ala (NM_001282543.2); c.159-28145C>G (NM_001282548.2); c.215+16361C>G (NM_001282545.2); c.364+11597C>G (NM_001282549.2); short protein forms P373A, P392A.
Identifiers: ClinVar variation 1525866 (VCV001525866.9), dbSNP rs2106108303, ClinGen allele CA350453865.

ClinVar aggregate classification (germline): Uncertain significance (1 of 4 stars; one submission).

Conditions:
Familial cancer of breast. Also called: BREAST CANCER, FAMILIAL; hereditary breast carcinoma; Hereditary breast cancer. Identifiers: Orphanet 227535, MedGen C0346153, MONDO:0016419, OMIM 114480. Disease mechanism: loss of function.

Submission:

Labcorp Genetics (formerly Invitae), Labcorp
Classification: Uncertain significance for Familial cancer of breast. Last evaluated: 2022-03-03. Review status: criteria provided, single submitter. Criteria: Invitae Variant Classification Sherloc (09022015). Collection method: clinical testing. Allele origin: germline.
Comment: In summary, the available evidence is currently insufficient to determine the role of this variant in disease. Therefore, it has been classified as a Variant of Uncertain Significance. Algorithms developed to predict the effect of missense changes on protein structure and function (SIFT, PolyPhen-2, Align-GVGD) all suggest that this variant is likely to be disruptive. This variant has not been reported in the literature in individuals affected with BARD1-related conditions. This variant is not present in population databases (gnomAD no frequency). This sequence change replaces proline, which is neutral and non-polar, with alanine, which is neutral and non-polar, at codon 392 of the BARD1 protein (p.Pro392Ala).